The following is an entry in ClinVar:

NM_002500.5(NEUROD1):c.766T>C (p.Phe256Leu)

Gene: NEUROD1 (neuronal differentiation 1; minus strand). Cytogenetic location: 2q31.3.
Variant type: single nucleotide variant.
Coding change: c.766T>C on transcript NM_002500.5 (MANE Select); coding-DNA position 766, T replaced by C.
Protein change: p.Phe256Leu; replaces phenylalanine 256 with leucine.
Molecular consequence: missense variant.
Genome position (GRCh38, 1-based): chr2:181,678,095, A>G on the plus strand (T>C on the coding strand, the complement: NEUROD1 is on the minus strand). VCF-style: chr2-181678095-A-G. GRCh37 (hg19) VCF-style: chr2-182542822-A-G.
Other names: short protein forms F256L.
Identifiers: ClinVar variation 940218 (VCV000940218.10), dbSNP rs556602572, ClinGen allele CA62111415.

ClinVar aggregate classification (germline): Uncertain significance. Review status: criteria provided, multiple submitters, no conflicts (2 of 4 stars). 2 submissions from 2 submitters: Uncertain significance (2). Last evaluated 2025-10-16.

Conditions:
Type 2 diabetes mellitus. Also called: Type II diabetes mellitus. Identifiers: MedGen C0011860, MeSH D003924, MONDO:0005148, OMIM 125853, HP:0005978.
Maturity-onset diabetes of the young type 6 (MODY6). Identifiers: Orphanet 552, MedGen C1853371, MONDO:0011668, OMIM 606394.

Allele frequency attached by ClinVar (database versions not stated): gnomAD 0.00001; TOPMed 0.00002.
gnomAD v4.1: 31 of 1,614,104 alleles (0.0019%); highest among the groups gnomAD compares: Non-Finnish European, 0.0025%; no homozygotes.

Submissions (2):

Labcorp Genetics (formerly Invitae), Labcorp
Classification: Uncertain significance. Last evaluated: 2025-10-16. Review status: criteria provided, single submitter. Criteria: Invitae Variant Classification Sherloc (09022015). Collection method: clinical testing. Allele origin: germline.
Comment: This sequence change replaces phenylalanine, which is neutral and non-polar, with leucine, which is neutral and non-polar, at codon 256 of the NEUROD1 protein (p.Phe256Leu). This variant is present in population databases (rs556602572, gnomAD 0.004%). This variant has not been reported in the literature in individuals affected with NEUROD1-related conditions. ClinVar contains an entry for this variant (Variation ID: 940218). Invitae Evidence Modeling of protein sequence and biophysical properties (such as structural, functional, and spatial information, amino acid conservation, physicochemical variation, residue mobility, and thermodynamic stability) indicates that this missense variant is not expected to disrupt NEUROD1 protein function with a negative predictive value of 80%. In summary, the available evidence is currently insufficient to determine the role of this variant in disease. Therefore, it has been classified as a Variant of Uncertain Significance.

Fulgent Genetics
Classification: Uncertain significance for Type 2 diabetes mellitus; Maturity-onset diabetes of the young type 6. Last evaluated: 2024-04-19. Review status: criteria provided, single submitter. Criteria: ACMG Guidelines, 2015. Collection method: clinical testing. Allele origin: germline.